The following is an entry in ClinVar:

NM_032793.5(MFSD2A):c.229-42T>C

Gene: MFSD2A (MFSD2 lysolipid transporter A, lysophospholipid; plus strand). Cytogenetic location: 1p34.2.
Variant type: single nucleotide variant.
Coding change: c.229-42T>C on transcript NM_032793.5 (MANE Select); 42 bases into the intron before coding-DNA position 229, T replaced by C.
Molecular consequence: intron variant.
Genome position (GRCh38, 1-based): chr1:39,958,659, T>C. VCF-style: chr1-39958659-T-C. GRCh37 (hg19) VCF-style: chr1-40424331-T-C.
Other names: c.229-3T>C (NM_001136493.3); c.229-42T>C (NM_001349822.2); c.-117-42T>C (NM_001349823.2); c.118-42T>C (NM_001287809.2); c.-116+3274T>C (NM_001287808.2); c.223-42T>C (NM_001349821.2).
Identifiers: ClinVar variation 3681283 (VCV003681283.2).
Genomic context (GRCh38, chr1:39,958,659, plus strand): 5'-ATCCTGGCTGAGATAGGGAGGGAGCCTCTGCTTCTGCCTACCAGTGAGAGTTGAGGCGAG[T>C]AGAAGGATGAGGAAGTTGTCTTTTGCTTCTCCTCATTCCAGGTGGGCCCTTTCTCTGCCT-3'

ClinVar aggregate classification (germline): Uncertain significance (1 of 4 stars; one submission).

Submission:

Labcorp Genetics (formerly Invitae), Labcorp
Classification: Uncertain significance. Last evaluated: 2024-09-18. Review status: criteria provided, single submitter. Criteria: Invitae Variant Classification Sherloc (09022015). Collection method: clinical testing. Allele origin: germline.
Comment: This sequence change falls in intron 2 of the MFSD2A gene. It does not directly change the encoded amino acid sequence of the MFSD2A protein. It affects a nucleotide within the consensus splice site. This variant is present in population databases (rs781124875, gnomAD 0.006%). This variant has not been reported in the literature in individuals affected with MFSD2A-related conditions. Variants that disrupt the consensus splice site are a relatively common cause of aberrant splicing (PMID: 17576681, 9536098). Algorithms developed to predict the effect of sequence changes on RNA splicing suggest that this variant is not likely to affect RNA splicing. In summary, the available evidence is currently insufficient to determine the role of this variant in disease. Therefore, it has been classified as a Variant of Uncertain Significance.

Literature cited by the submitters: PubMed 17576681; PubMed 9536098.